The following is an entry in ClinVar:

NM_177438.3(DICER1):c.2189A>T (p.Asp730Val)

Gene: DICER1 (dicer 1, ribonuclease III; minus strand). Cytogenetic location: 14q32.13.
Variant type: single nucleotide variant.
Coding change: c.2189A>T on transcript NM_177438.3 (MANE Select); coding-DNA position 2189, A replaced by T.
Protein change: p.Asp730Val; replaces aspartic acid 730 with valine.
Molecular consequence: missense variant. On other transcripts: non-coding transcript variant (6).
Genome position (GRCh38, 1-based): chr14:95,111,384, T>A on the plus strand (A>T on the coding strand, the complement: DICER1 is on the minus strand). VCF-style: chr14-95111384-T-A. GRCh37 (hg19) VCF-style: chr14-95577721-T-A.
Other names: c.1784A>T, p.Asp595Val (NM_001395698.1, NM_001395687.1, NM_001395688.1 and 3 more transcripts); c.2189A>T, p.Asp730Val (NM_030621.4, NM_001195573.1, NM_001271282.3 and 13 more transcripts); c.1907A>T, p.Asp636Val (NM_001395686.1); c.1622A>T, p.Asp541Val (NM_001395691.1); c.506A>T, p.Asp169Val (NM_001395697.1); short protein forms D636V, D730V, D595V, D169V, D541V.
Identifiers: ClinVar variation 2760067 (VCV002760067.3), dbSNP rs780069801, ClinGen allele CA390882671.
Genomic context (GRCh38, chr14:95,111,384, plus strand): 5'-GGGTAGCACTGCCTTCGTTTCGTGGAACCTGGTCTTCCTGGAACACTGGTCTCTTCTTCA[T>A]CATGCAAATCAAGCTCCTCTTCATATTTAACAGTCTCTTTCCCAACTGGCATCAAATGGT-3'
Protein context (NP_803187.1, residues 720-740): VKYEEELDLH[Asp730Val]EEETSVPGRP

ClinVar aggregate classification (germline): Uncertain significance (1 of 4 stars; one submission).

Conditions:
DICER1-related tumor predisposition. Also called: DICER1-related pleuropulmonary blastoma cancer predisposition syndrome; DICER1 syndrome. Identifiers: Orphanet 284343, MedGen C3839822, MONDO:0100216.

gnomAD v4.1: 1 of 1,614,182 alleles (0.000062%); highest among the groups gnomAD compares: South Asian, 0.0011%; no homozygotes.

Submission:

Labcorp Genetics (formerly Invitae), Labcorp
Classification: Uncertain significance for DICER1-related tumor predisposition. Last evaluated: 2023-09-11. Review status: criteria provided, single submitter. Criteria: Invitae Variant Classification Sherloc (09022015). Collection method: clinical testing. Allele origin: germline.
Comment: In summary, the available evidence is currently insufficient to determine the role of this variant in disease. Therefore, it has been classified as a Variant of Uncertain Significance. Advanced modeling of protein sequence and biophysical properties (such as structural, functional, and spatial information, amino acid conservation, physicochemical variation, residue mobility, and thermodynamic stability) performed at Invitae indicates that this missense variant is not expected to disrupt DICER1 protein function. This variant has not been reported in the literature in individuals affected with DICER1-related conditions. This variant is not present in population databases (gnomAD no frequency). This sequence change replaces aspartic acid, which is acidic and polar, with valine, which is neutral and non-polar, at codon 730 of the DICER1 protein (p.Asp730Val).